The following is an entry in ClinVar:

NM_001374736.1(DST):c.22159C>A (p.Leu7387Met)

Gene: DST (dystonin; minus strand). Cytogenetic location: 6p12.1.
Variant type: single nucleotide variant.
Coding change: c.22159C>A on transcript NM_001374736.1 (MANE Select); coding-DNA position 22159, C replaced by A.
Protein change: p.Leu7387Met; replaces leucine 7387 with methionine.
Molecular consequence: missense variant.
Genome position (GRCh38, 1-based): chr6:56,471,268, G>T on the plus strand (C>A on the coding strand, the complement: DST is on the minus strand). VCF-style: chr6-56471268-G-T. GRCh37 (hg19) VCF-style: chr6-56336066-G-T.
Other names: c.15802C>A, p.Leu5268Met (NM_001144769.5); c.15388C>A, p.Leu5130Met (NM_001144770.2); c.22159C>A, p.Leu7387Met (NM_001374722.1); c.21199C>A, p.Leu7067Met (NM_001374729.1); c.14941C>A, p.Leu4981Met (NM_001374730.1); c.22186C>A, p.Leu7396Met (NM_001374734.1); c.15268C>A, p.Leu5090Met (NM_001386100.1, NM_183380.4); c.14290C>A, p.Leu4764Met (NM_015548.5); short protein forms L7387M, L7067M, L4981M, L5130M, L5268M, L7396M, L4764M, L5090M.
Identifiers: ClinVar variation 1775680 (VCV001775680.2), dbSNP rs1004714521, ClinGen allele CA364507951.

ClinVar aggregate classification (germline): Uncertain significance (1 of 4 stars; one submission).

Conditions:
Inborn genetic diseases. Identifiers: MedGen C0950123, MeSH D030342.

Allele frequency attached by ClinVar (database versions not stated): gnomAD 0.00001; gnomAD exomes 0.00001; TOPMed 0.00001.
gnomAD v4.1: 10 of 1,576,450 alleles (0.00063%); highest among the groups gnomAD compares: Non-Finnish European, 0.00086%; no homozygotes.

Submission:

Ambry Genetics
Classification: Uncertain significance for Inborn genetic diseases. Last evaluated: 2021-05-05. Review status: criteria provided, single submitter. Criteria: Ambry Variant Classification Scheme 2023. Collection method: clinical testing. Allele origin: germline.
Comment: The p.L5268M variant (also known as c.15802C>A) is located in coding exon 89 of the DST gene. The leucine at codon 5268 is replaced by methionine, an amino acid with highly similar properties. This change occurs in the first base pair of coding exon 89. This amino acid position is highly conserved in available vertebrate species. In addition, the in silico prediction for this alteration is inconclusive. Since supporting evidence is limited at this time, the clinical significance of this alteration remains unclear.